The following is an entry in ClinVar:

ClinVar aggregate classification (germline): Benign/Likely benign. Review status: criteria provided, multiple submitters, no conflicts (2 of 4 stars). 3 submissions from 3 submitters: Benign (1); Likely benign (2). Last evaluated 2026-07-01.

Conditions:
Adams-Oliver syndrome 5 (AOS5). Identifiers: Orphanet 974, MedGen C4014970, MONDO:0014459, OMIM 616028.
Familial thoracic aortic aneurysm and aortic dissection (TAAD). Also called: Thoracic aortic aneurysms and dissections. Identifiers: Orphanet 91387, MedGen C4707243, MONDO:0019625.

Allele frequency attached by ClinVar (database versions not stated): TOPMed below 0.00001; gnomAD exomes 0.00001.
gnomAD v4.1: 12 of 1,595,172 alleles (0.00075%); highest among the groups gnomAD compares: East Asian, 0.0089%; 1 homozygote.

Submissions (3):

CeGaT Center for Human Genetics Tuebingen
Classification: Likely benign. Last evaluated: 2026-07-01. Review status: criteria provided, single submitter. Criteria: CeGaT Center For Human Genetics Tuebingen Variant Classification Criteria Version 2. Collection method: clinical testing. Allele origin: germline. Affected: yes. Observed: 1 variant allele.
Comment: NOTCH1: BP4, BP7

Labcorp Genetics (formerly Invitae), Labcorp
Classification: Benign for Adams-Oliver syndrome 5. Last evaluated: 2025-09-13. Review status: criteria provided, single submitter. Criteria: Invitae Variant Classification Sherloc (09022015). Collection method: clinical testing. Allele origin: germline.

Ambry Genetics
Classification: Likely benign for Familial thoracic aortic aneurysm and aortic dissection. Last evaluated: 2024-11-03. Review status: criteria provided, single submitter. Criteria: Ambry Variant Classification Scheme 2023. Collection method: clinical testing. Allele origin: germline.

NM_017617.5(NOTCH1):c.4044C>T (p.Asp1348=)

Gene: NOTCH1 (notch receptor 1; minus strand). Cytogenetic location: 9q34.3.
Variant type: single nucleotide variant.
Coding change: c.4044C>T on transcript NM_017617.5 (MANE Select); coding-DNA position 4044, C replaced by T.
Protein change: p.Asp1348=; no amino-acid change (aspartic acid 1348 retained).
Molecular consequence: synonymous variant.
Genome position (GRCh38, 1-based): chr9:136,505,852, G>A on the plus strand (C>T on the coding strand, the complement: NOTCH1 is on the minus strand). VCF-style: chr9-136505852-G-A. GRCh37 (hg19) VCF-style: chr9-139400304-G-A.
Other names: c.4044C>T (NM_017617.3).
Identifiers: ClinVar variation 2169366 (VCV002169366.6), dbSNP rs1449033869, ClinGen allele CA467714628.